The following is an entry in ClinVar:

NM_017752.3(TBC1D8B):c.654G>A (p.Glu218=)

Gene: TBC1D8B (TBC1 domain family member 8B; plus strand). Cytogenetic location: Xq22.3.
Variant type: single nucleotide variant.
Coding change: c.654G>A on transcript NM_017752.3 (MANE Select); coding-DNA position 654, G replaced by A.
Protein change: p.Glu218=; no amino-acid change (glutamic acid 218 retained).
Molecular consequence: synonymous variant.
Genome position (GRCh38, 1-based): chrX:106,823,293, G>A. VCF-style: chrX-106823293-G-A. GRCh37 (hg19) VCF-style: chrX-106066523-G-A.
Other names: c.654G>A, p.Glu218= (NM_198881.2).
Identifiers: ClinVar variation 2661142 (VCV002661142.24), dbSNP rs2521566839, ClinGen allele CA518096551.

ClinVar aggregate classification (germline): Likely benign (1 of 4 stars; one submission).

gnomAD v4.1: 1 of 1,209,660 alleles (0.000083%); highest among the groups gnomAD compares: Middle Eastern, 0.023%; no homozygotes.

Submission:

CeGaT Center for Human Genetics Tuebingen
Classification: Likely benign. Last evaluated: 2022-04-01. Review status: criteria provided, single submitter. Criteria: CeGaT Center For Human Genetics Tuebingen Variant Classification Criteria Version 2. Collection method: clinical testing. Allele origin: germline. Affected: yes. Observed: 2 variant alleles.
Comment: TBC1D8B: PM2:Supporting, BP4, BP7